The following is an entry in ClinVar:

NM_006912.6(RIT1):c.244_258dup (p.Arg86_Asp87insPheThrAlaMetArg)

Gene: RIT1 (Ras like without CAAX 1; minus strand). Cytogenetic location: 1q22.
Variant type: Duplication.
Coding change: c.244_258dup on transcript NM_006912.6 (MANE Select); coding-DNA positions 244 to 258, 15 bases duplicated (TTTACAGCCATGCGG).
Protein change: p.Arg86_Asp87insPheThrAlaMetArg.
Molecular consequence: inframe insertion.
Genome position (GRCh38, 1-based): chr1:155,904,482-155,904,496, CCGCATGGCTGTAAA duplicated on the plus strand (TTTACAGCCATGCGG on the coding strand, the reverse complement: RIT1 is on the minus strand); duplicating any 15 consecutive bases within chr1:155,904,482-155,904,497 gives the same sequence; the c. name uses the placement nearest the transcript's 3' end. VCF-style (leftmost placement, unchanged base first): chr1-155904481-C-CCCGCATGGCTGTAAA. GRCh37 (hg19) VCF-style: chr1-155874272-C-CCCGCATGGCTGTAAA.
Other names: c.136_150dup, p.Arg50_Asp51insPheThrAlaMetArg (NM_001256820.2); c.295_309dup, p.Arg103_Asp104insPheThrAlaMetArg (NM_001256821.2).
Identifiers: ClinVar variation 4975946 (VCV004975946.1).

ClinVar aggregate classification (germline): Uncertain significance (1 of 4 stars; one submission).

Submission:

GeneDx
Classification: Uncertain significance. Last evaluated: 2026-01-30. Review status: criteria provided, single submitter. Criteria: GeneDx Variant Classification Process June 2021. Collection method: clinical testing. Allele origin: germline.
Comment: Not observed at significant frequency in large population cohorts (gnomAD); In-frame duplication of 5 amino acid(s) in a non-repeat region; Has not been previously published as pathogenic or benign to our knowledge